The following is an entry in ClinVar:

ClinVar aggregate classification (germline): Uncertain significance (1 of 4 stars; one submission).

Conditions:
CREBBP-related disorder. Also called: CREBBP-related disorders; CREBBP-related condition.

gnomAD v4.1: 2 of 1,614,176 alleles (0.00012%); highest among the groups gnomAD compares: East Asian, 0.0022%; no homozygotes.

Submission:

PreventionGenetics, part of Exact Sciences
Classification: Uncertain significance for CREBBP-related condition. Last evaluated: 2026-06-16. Review status: criteria provided, single submitter. Criteria: ACMG Guidelines, 2015. Collection method: clinical testing. Allele origin: germline.
Comment: The CREBBP c.1348G>C variant is predicted to result in the amino acid substitution p.Ala450Pro. To our knowledge, this variant has not been reported in the literature. This variant is reported in 0.0054% of alleles in individuals of East Asian descent in gnomAD. At this time, the clinical significance of this variant is uncertain due to the absence of conclusive functional and genetic evidence.

NM_004380.3(CREBBP):c.1348G>C (p.Ala450Pro)

Gene: CREBBP (CREB binding lysine acetyltransferase; minus strand). Cytogenetic location: 16p13.3.
Variant type: single nucleotide variant.
Coding change: c.1348G>C on transcript NM_004380.3 (MANE Select); coding-DNA position 1348, G replaced by C.
Protein change: p.Ala450Pro; replaces alanine 450 with proline.
Molecular consequence: missense variant.
Genome position (GRCh38, 1-based): chr16:3,782,909, C>G on the plus strand (G>C on the coding strand, the complement: CREBBP is on the minus strand). VCF-style: chr16-3782909-C-G. GRCh37 (hg19) VCF-style: chr16-3832910-C-G.
Other names: c.1234G>C, p.Ala412Pro (NM_001079846.1); short protein forms A450P, A412P.
Identifiers: ClinVar variation 4984733 (VCV004984733.1).
Genomic context (GRCh38, chr16:3,782,909, plus strand): 5'-AAGAAGTGGCATTCTGTTGCCCTGTGCCAACAGAACCAATTGTGTTTTGAATTCCACTAG[C>G]TGGAGACCCCAGGATGGCTATAACGACAAACAGACAGACAGACAAAAACGAGAGGTAAGT-3'
Protein context (NP_004371.2, residues 440-460): RNQQTILGSP[Ala450Pro]SGIQNTIGSV